The following is an entry in ClinVar:

NM_001004334.4(GPR179):c.4591C>T (p.Gln1531Ter)

Gene: GPR179 (G protein-coupled receptor 179; minus strand). Cytogenetic location: 17q12.
Variant type: single nucleotide variant.
Coding change: c.4591C>T on transcript NM_001004334.4 (MANE Select); coding-DNA position 4591, C replaced by T.
Protein change: p.Gln1531Ter; replaces glutamine 1531 with a stop codon.
Molecular consequence: nonsense.
Genome position (GRCh38, 1-based): chr17:38,328,978, G>A on the plus strand (C>T on the coding strand, the complement: GPR179 is on the minus strand). VCF-style: chr17-38328978-G-A. GRCh37 (hg19) VCF-style: chr17-36484861-G-A.
Other names: short protein forms Q1531*.
Identifiers: ClinVar variation 1487908 (VCV001487908.3), dbSNP rs868516230, ClinGen allele CA290104050.

ClinVar aggregate classification (germline): Uncertain significance (1 of 4 stars; one submission).

Allele frequency attached by ClinVar (database versions not stated): gnomAD exomes below 0.00001; gnomAD 0.00001; TOPMed 0.00003.
gnomAD v4.1: 8 of 1,614,056 alleles (0.0005%); highest among the groups gnomAD compares: African/African-American, 0.008%; no homozygotes.

Submission:

Labcorp Genetics (formerly Invitae), Labcorp
Classification: Uncertain significance. Last evaluated: 2021-08-12. Review status: criteria provided, single submitter. Criteria: Invitae Variant Classification Sherloc (09022015). Collection method: clinical testing. Allele origin: germline.
Comment: This sequence change creates a premature translational stop signal (p.Gln1531*) in the GPR179 gene. While this is not anticipated to result in nonsense mediated decay, it is expected to disrupt the last 837 amino acid(s) of the GPR179 protein. This variant is not present in population databases (ExAC no frequency). This variant has not been reported in the literature in individuals affected with GPR179-related conditions. Experimental studies and prediction algorithms are not available or were not evaluated, and the functional significance of this variant is currently unknown. In summary, the available evidence is currently insufficient to determine the role of this variant in disease. Therefore, it has been classified as a Variant of Uncertain Significance.